The following is an entry in ClinVar:

NM_007294.4(BRCA1):c.5103G>A (p.Leu1701=)

Gene: BRCA1 (BRCA1 DNA repair associated; minus strand). Cytogenetic location: 17q21.31.
Variant type: single nucleotide variant.
Coding change: c.5103G>A on transcript NM_007294.4 (MANE Select); coding-DNA position 5103, G replaced by A.
Protein change: p.Leu1701=; no amino-acid change (leucine 1701 retained).
Molecular consequence: synonymous variant. On other transcripts: intron variant (2).
Genome position (GRCh38, 1-based): chr17:43,063,923, C>T on the plus strand (G>A on the coding strand, the complement: BRCA1 is on the minus strand). VCF-style: chr17-43063923-C-T. GRCh37 (hg19) VCF-style: chr17-41215940-C-T.
Other names: c.5088G>A, p.Leu1696= (NM_001407647.1); c.5046G>A, p.Leu1682= (NM_001407648.1); c.5043G>A, p.Leu1681= (NM_001407649.1); c.5025G>A, p.Leu1675= (NM_001407653.1, NM_001407654.1, NM_001407655.1); c.5022G>A, p.Leu1674= (NM_001407656.1, NM_001407657.1, NM_001407658.1); c.5019G>A, p.Leu1673= (NM_001407659.1, NM_001407660.1, NM_001407661.1 and 2 more transcripts); c.4980G>A, p.Leu1660= (NM_001407664.1, NM_001407665.1, NM_001407666.1 and 6 more transcripts); c.4977G>A, p.Leu1659= (NM_001407670.1, NM_001407671.1, NM_001407672.1 and 10 more transcripts); and 73 more.
Identifiers: ClinVar variation 415605 (VCV000415605.18), dbSNP rs1060504591, ClinGen allele CA16615656.

ClinVar aggregate classification (germline): Likely benign. Review status: criteria provided, multiple submitters, no conflicts (2 of 4 stars). 4 submissions from 4 submitters: Likely benign (3). 1 of the submissions does not count toward it. Last evaluated 2025-02-11.

Conditions:
Malignant tumor of breast. Also called: Malignant breast neoplasm; Cancer breast. Identifiers: MedGen C0006142, MONDO:0007254. Disease mechanism: loss of function.
Hereditary breast ovarian cancer syndrome. Also called: Hereditary breast and ovarian cancer syndrome; Breast and ovarian cancer; Hereditary breast and ovarian cancer syndrome (HBOC); Hereditary breast and/or ovarian cancer syndrome; BRCA1- and BRCA2-Associated Hereditary Breast and Ovarian Cancer; Hereditary breast and ovarian cancer. Identifiers: Orphanet 145, MedGen C0677776, MeSH D061325, MONDO:0003582. Disease mechanism: loss of function.
Hereditary cancer-predisposing syndrome. Also called: Neoplastic Syndromes, Hereditary; Hereditary neoplastic syndrome; Hereditary Cancer Syndrome; Tumor predisposition. Identifiers: Orphanet 140162, MedGen C0027672, MeSH D009386, MONDO:0015356.

Allele frequency attached by ClinVar (database versions not stated): gnomAD exomes below 0.00001.
gnomAD v4.1: 7 of 1,614,098 alleles (0.00043%); highest among the groups gnomAD compares: Non-Finnish European, 0.00059%; no homozygotes.

Submissions (5):

Labcorp Genetics (formerly Invitae), Labcorp
Classification: Likely benign for Hereditary breast ovarian cancer syndrome. Last evaluated: 2025-02-11. Review status: criteria provided, single submitter. Criteria: Invitae Variant Classification Sherloc (09022015). Collection method: clinical testing. Allele origin: germline.

Color Diagnostics, LLC DBA Color Health
Classification: Likely benign for Hereditary cancer-predisposing syndrome. Last evaluated: 2022-04-27. Review status: criteria provided, single submitter. Criteria: ACMG Guidelines, 2015. Collection method: clinical testing. Allele origin: germline.

Ambry Genetics
Classification: Likely benign for Hereditary cancer-predisposing syndrome. Last evaluated: 2021-10-27. Review status: criteria provided, single submitter. Criteria: Ambry Variant Classification Scheme 2023. Collection method: clinical testing. Allele origin: germline.

Brotman Baty Institute, University of Washington
No classification provided (evidence only). Condition: Breast-ovarian cancer, familial 1. Review status: no classification provided. Collection method: in vitro. Allele origin: not applicable. Functional consequence: functionally_normal. Not counted in ClinVar's aggregate classification.
ClinVar note: "not provided" was previously submitted as the classification for the variant. However, the classification appeared to be based only on an observation of functional data so it was converted to no classification on 2025-07-30.

Department of Pathology and Laboratory Medicine, Sinai Health System
Classification: Likely benign for Malignant tumor of breast. Review status: no assertion criteria provided. Collection method: clinical testing. Allele origin: unknown. Affected: yes. Study: The Canadian Open Genetics Repository (COGR). Not counted in ClinVar's aggregate classification.
Comment: The BRCA1 p.Leu1701= variant was not identified in the literature nor was it identified in the LOVD 3.0 or UMD-LSDB databases. The variant was identified in dbSNP (ID: rs1060504591) as "With Likely benign allele" and ClinVar (classified as likely benign by Invitae). The variant was not identified in the following control databases: the Exome Aggregation Consortium (August 8th 2016) or the Genome Aggregation Database (Feb 27, 2017). The p.Leu1701= variant is not expected to have clinical significance because it does not result in a change of amino acid and is not located in a known consensus splice site. In addition, in silico or computational prediction software programs (SpliceSiteFinder, MaxEntScan, NNSPLICE, GeneSplicer) do not predict a difference in splicing. In summary, based on the above information, the clinical significance of this variant cannot be determined with certainty at this time, although we would lean towards a more benign role for this variant. This variant is classified as likely benign.

Literature cited by the submitters: PubMed 30209399 (cited by Ambry Genetics).